The following is an entry in ClinVar:

ClinVar aggregate classification (germline): Likely benign. Review status: criteria provided, multiple submitters, no conflicts (2 of 4 stars). 8 submissions from 6 submitters: Likely benign (8). Last evaluated 2025-09-22.

Conditions:
Dilated cardiomyopathy 1D. Identifiers: Orphanet 154, Orphanet 54260, MedGen C1832243, MONDO:0011095, OMIM 601494.
Cardiomyopathy, familial restrictive, 3. Identifiers: Orphanet 75249, MedGen C2676271, MONDO:0012900, OMIM 612422.
Hypertrophic cardiomyopathy 2. Also called: TNNT2-Related Familial Hypertrophic Cardiomyopathy. Identifiers: MedGen C1861864, MONDO:0007266, OMIM 115195.
Cardiomyopathy (CMYO). Also called: Cardiomyopathies. Identifiers: Orphanet 167848, MedGen C0878544, MONDO:0004994, HP:0001638. Inheritance: Various modes of inheritance.
Cardiovascular phenotype. Identifiers: MedGen CN230736.

Allele frequency attached by ClinVar (database versions not stated): gnomAD exomes below 0.00001 and 0.00001; TOPMed below 0.00001.

Submissions (8):

Color Diagnostics, LLC DBA Color Health
Classification: Likely benign for Cardiomyopathy. Last evaluated: 2025-09-22. Review status: criteria provided, single submitter. Criteria: ACMG Guidelines, 2015. Collection method: clinical testing. Allele origin: germline.

Ambry Genetics
Classification: Likely benign for Cardiovascular phenotype. Last evaluated: 2025-07-22. Review status: criteria provided, single submitter. Criteria: Ambry Variant Classification Scheme 2023. Collection method: clinical testing. Allele origin: germline.

Blueprint Genetics
Classification: Likely benign. Last evaluated: 2023-06-06. Review status: criteria provided, single submitter. Criteria: ACMG Guidelines, 2015. Collection method: clinical testing. Allele origin: germline.

Genome-Nilou Lab
Classification: Likely benign for Dilated cardiomyopathy 1D. Last evaluated: 2023-04-11. Review status: criteria provided, single submitter. Criteria: ACMG Guidelines, 2015. Collection method: clinical testing. Allele origin: germline. Affected: no.

Genome-Nilou Lab
Classification: Likely benign for Cardiomyopathy, familial restrictive, 3. Last evaluated: 2023-04-11. Review status: criteria provided, single submitter. Criteria: ACMG Guidelines, 2015. Collection method: clinical testing. Allele origin: germline. Affected: no.

Genome-Nilou Lab
Classification: Likely benign for Hypertrophic cardiomyopathy 2. Last evaluated: 2023-04-11. Review status: criteria provided, single submitter. Criteria: ACMG Guidelines, 2015. Collection method: clinical testing. Allele origin: germline. Affected: no.

Labcorp Genetics (formerly Invitae), Labcorp
Classification: Likely benign for Cardiomyopathy, familial restrictive, 3; Hypertrophic cardiomyopathy 2; Dilated cardiomyopathy 1D. Last evaluated: 2023-04-03. Review status: criteria provided, single submitter. Criteria: Invitae Variant Classification Sherloc (09022015). Collection method: clinical testing. Allele origin: germline.

GeneDx
Classification: Likely benign. Last evaluated: 2018-05-07. Review status: criteria provided, single submitter. Criteria: GeneDx Variant Classification (06012015). Collection method: clinical testing. Allele origin: germline. Affected: yes.
Comment: This variant is considered likely benign or benign based on one or more of the following criteria: it is a conservative change, it occurs at a poorly conserved position in the protein, it is predicted to be benign by multiple in silico algorithms, and/or has population frequency not consistent with disease.

NM_001276345.2(TNNT2):c.342G>A (p.Ala114=)

Gene: TNNT2 (troponin T2, cardiac type; minus strand). Cytogenetic location: 1q32.1.
Variant type: single nucleotide variant.
Coding change: c.342G>A on transcript NM_001276345.2 (MANE Select); coding-DNA position 342, G replaced by A.
Protein change: p.Ala114=; no amino-acid change (alanine 114 retained).
Molecular consequence: synonymous variant. On other transcripts: intron variant (1).
Genome position (GRCh38, 1-based): chr1:201,365,260, C>T on the plus strand (G>A on the coding strand, the complement: TNNT2 is on the minus strand). VCF-style: chr1-201365260-C-T. GRCh37 (hg19) VCF-style: chr1-201334388-C-T.
Other names: c.342G>A, p.Ala114= (NM_000364.4); c.312G>A, p.Ala104= (NM_001001430.3, NM_001001431.3, NM_001276347.2); c.297G>A, p.Ala99= (NM_001001432.3); c.291+350G>A (NM_001276346.2).
Identifiers: ClinVar variation 668252 (VCV000668252.9), dbSNP rs918054429, ClinGen allele CA35423913.